The following is an entry in ClinVar:

ClinVar aggregate classification (germline): Likely pathogenic (1 of 4 stars; one submission).

Conditions:
Schöpf-Schulz-Passarge syndrome. Also called: ECCRINE TUMORS WITH ECTODERMAL DYSPLASIA; KERATOSIS PALMOPLANTARIS WITH CYSTIC EYELIDS, HYPODONTIA, AND HYPOTRICHOSIS; SchC6pf-Schulz-Passarge syndrome. Identifiers: Orphanet 50944, MedGen C1857069, MONDO:0009145, OMIM 224750.

Submission:

Natera, Inc.
Classification: Likely pathogenic for Schopf-Schulz-Passarge syndrome. Last evaluated: 2025-09-29. Review status: criteria provided, single submitter. Criteria: Natera Variant Classification Schema (03/2026). Collection method: clinical testing. Allele origin: germline.
Comment: The c.496del variant in WNT10A is a frameshift variant predicted to shift the reading frame beginning at codon 166 and leads to a stop codon 23 codons downstream. This variant is expected to result in nonsense mediated decay, truncation, or a dysfunctional protein product. This variant is rare in the general population with a frequency below the threshold expected for the associated phenotype(s). Given the available evidence, this variant is classified as Likely Pathogenic.

NM_025216.3(WNT10A):c.496del (p.Asp166fs)

Gene: WNT10A (Wnt family member 10A; plus strand). Cytogenetic location: 2q35.
Variant type: Deletion.
Coding change: c.496del on transcript NM_025216.3 (MANE Select); coding-DNA position 496, one base deleted (G; older notation c.496delG).
Protein change: p.Asp166fs; shifts the reading frame from aspartic acid 166.
Molecular consequence: frameshift variant.
Genome position (GRCh38, 1-based): chr2:218,890,103, G deleted; the last of 4 consecutive G bases (chr2:218,890,100-218,890,103); deleting any one gives the same sequence. VCF-style (leftmost placement, unchanged base first): chr2-218890099-AG-A. GRCh37 (hg19) VCF-style: chr2-219754821-AG-A.
Other names: short protein forms D166fs.
Identifiers: ClinVar variation 4816260 (VCV004816260.1).
Genomic context (GRCh38, chr2:218,890,099, plus strand): 5'-CGTGTCCAATGCGTGTGCCCTGGGCAAACTGAAGGCCTGTGGCTGTGATGCGTCCCGGCG[AG>A]GGGACGAGGAGGCCTTCCGTAGGAAGCTGCACCGCTTACAACTGGATGCACTGCAGCGTG-3'